The following is an entry in ClinVar:

NM_002658.6(PLAU):c.1193G>T (p.Arg398Leu)

Genes: C10orf55 (chromosome 10 putative open reading frame 55; minus strand), PLAU (plasminogen activator, urokinase; plus strand). Cytogenetic location: 10q22.2.
Variant type: single nucleotide variant.
Coding change: c.1193G>T on transcript NM_002658.6 (MANE Select); coding-DNA position 1193, G replaced by T.
Protein change: p.Arg398Leu; replaces arginine 398 with leucine.
Molecular consequence: missense variant.
Genome position (GRCh38, 1-based): chr10:73,916,462, G>T. VCF-style: chr10-73916462-G-T. GRCh37 (hg19) VCF-style: chr10-75676220-G-T.
Other names: p.Arg398Leu; c.1142G>T, p.Arg381Leu (NM_001145031.3); c.935G>T, p.Arg312Leu (NM_001319191.2); c.1193G>T (NM_002658.5); short protein forms R312L, R398L, R381L.
Identifiers: ClinVar variation 880409 (VCV000880409.5), dbSNP rs3805118, ClinGen allele CA5562661.

ClinVar aggregate classification (germline): Benign/Likely benign. Review status: criteria provided, multiple submitters, no conflicts (2 of 4 stars). 2 submissions from 2 submitters: Benign (1); Likely benign (1). Last evaluated 2025-10-16.

Conditions:
Quebec platelet disorder (QPD). Also called: FACTOR V QUEBEC; BLEEDING DISORDER, PLATELET-TYPE, 5. Identifiers: Orphanet 220436, MedGen C1866423, MONDO:0011136, OMIM 601709.

Allele frequency attached by ClinVar (database versions not stated): gnomAD 0.00007 and 0.00003; 1000 Genomes Project 0.00060; 1000 Genomes Project 30x 0.00047; TOPMed 0.00001.

Submissions (2):

Mayo Clinic Laboratories, Mayo Clinic
Classification: Likely benign. Last evaluated: 2025-10-16. Review status: criteria provided, single submitter. Criteria: ACMG Guidelines, 2015. Collection method: clinical testing. Allele origin: germline. Observed: 1 variant allele.
Comment: BS1, BP4_moderate

Illumina Laboratory Services, Illumina
Classification: Benign for Quebec platelet disorder. Last evaluated: 2018-01-12. Review status: criteria provided, single submitter. Criteria: ICSL Variant Classification Criteria 13 December 2019. Collection method: clinical testing. Allele origin: germline.
Comment: This variant was observed in the ICSL laboratory as part of a predisposition screen in an ostensibly healthy population. It had not been previously curated by ICSL or reported in the Human Gene Mutation Database (HGMD: prior to June 1st, 2018), and was therefore a candidate for classification through an automated scoring system. Utilizing variant allele frequency, disease prevalence and penetrance estimates, and inheritance mode, an automated score was calculated to assess if this variant is too frequent to cause the disease. Based on the score and internal cut-off values, a variant classified as benign is not then subjected to further curation. The score for this variant resulted in a classification of benign for this disease.